The following is an entry in ClinVar:

NM_024301.5(FKRP):c.731G>T (p.Arg244Leu)

Gene: FKRP (fukutin related protein; plus strand). Cytogenetic location: 19q13.32.
Variant type: single nucleotide variant.
Coding change: c.731G>T on transcript NM_024301.5 (MANE Select); coding-DNA position 731, G replaced by T.
Protein change: p.Arg244Leu; replaces arginine 244 with leucine.
Molecular consequence: missense variant.
Genome position (GRCh38, 1-based): chr19:46,756,181, G>T. VCF-style: chr19-46756181-G-T. GRCh37 (hg19) VCF-style: chr19-47259438-G-T.
Other names: c.731G>T, p.Arg244Leu (NM_001039885.3); short protein forms R244L.
Identifiers: ClinVar variation 284875 (VCV000284875.8), dbSNP rs764641619, ClinGen allele CA10604933.

ClinVar aggregate classification (germline): Uncertain significance. Review status: criteria provided, multiple submitters, no conflicts (2 of 4 stars). 3 submissions from 3 submitters: Uncertain significance (3). Last evaluated 2022-09-12.

Conditions:
Walker-Warburg congenital muscular dystrophy. Also called: Muscular dystrophy-dystroglycanopathy, type A; Walker-Warburg syndrome. Identifiers: Orphanet 899, MedGen C0265221, MONDO:0000171.
Cardiovascular phenotype. Identifiers: MedGen CN230736.

gnomAD v4.1: 4 of 1,439,186 alleles (0.00028%); highest among the groups gnomAD compares: African/African-American, 0.003%; no homozygotes.

Submissions (3):

Labcorp Genetics (formerly Invitae), Labcorp
Classification: Uncertain significance for Walker-Warburg congenital muscular dystrophy. Last evaluated: 2022-09-12. Review status: criteria provided, single submitter. Criteria: Invitae Variant Classification Sherloc (09022015). Collection method: clinical testing. Allele origin: germline.
Comment: This sequence change replaces arginine, which is basic and polar, with leucine, which is neutral and non-polar, at codon 244 of the FKRP protein (p.Arg244Leu). This variant is not present in population databases (gnomAD no frequency). This variant has not been reported in the literature in individuals affected with FKRP-related conditions. ClinVar contains an entry for this variant (Variation ID: 284875). Advanced modeling of protein sequence and biophysical properties (such as structural, functional, and spatial information, amino acid conservation, physicochemical variation, residue mobility, and thermodynamic stability) has been performed at Invitae for this missense variant, however the output from this modeling did not meet the statistical confidence thresholds required to predict the impact of this variant on FKRP protein function. In summary, the available evidence is currently insufficient to determine the role of this variant in disease. Therefore, it has been classified as a Variant of Uncertain Significance.

Ambry Genetics
Classification: Uncertain significance for Cardiovascular phenotype. Last evaluated: 2021-02-24. Review status: criteria provided, single submitter. Criteria: Ambry Variant Classification Scheme 2023. Collection method: clinical testing. Allele origin: germline.
Comment: The p.R244L variant (also known as c.731G>T), located in coding exon 1 of the FKRP gene, results from a G to T substitution at nucleotide position 731. The arginine at codon 244 is replaced by leucine, an amino acid with dissimilar properties. This amino acid position is not well conserved in available vertebrate species, and leucine is the reference amino acid in other vertebrate species. In addition, the in silico prediction for this alteration is inconclusive. Since supporting evidence is limited at this time, the clinical significance of this alteration remains unclear.

Eurofins Ntd Llc (ga)
Classification: Uncertain significance. Last evaluated: 2015-11-21. Review status: criteria provided, single submitter. Criteria: EGL Classification Definitions 2015. Collection method: clinical testing. Allele origin: germline. Observed: 1 variant allele, 1 heterozygote.